The following is an entry in ClinVar:

NM_001267550.2(TTN):c.66968del (p.Asn22323fs)

Genes: TTN (titin; minus strand), TTN-AS1 (TTN antisense RNA 1; plus strand). Cytogenetic location: 2q31.2.
Variant type: Deletion.
Coding change: c.66968del on transcript NM_001267550.2 (MANE Select); coding-DNA position 66968, one base deleted (A; older notation c.66968delA).
Protein change: p.Asn22323fs; shifts the reading frame from asparagine 22323.
Molecular consequence: frameshift variant.
Genome position (GRCh38, 1-based): chr2:178,580,411, T deleted on the plus strand (A on the coding strand, the reverse complement: TTN is on the minus strand); the first of 4 consecutive T bases (chr2:178,580,411-178,580,414); deleting any one gives the same sequence. VCF-style (leftmost placement, unchanged base first): chr2-178580410-AT-A. GRCh37 (hg19) VCF-style: chr2-179445137-AT-A.
Other names: c.62045del, p.Asn20682fs (NM_001256850.1); c.39773del, p.Asn13258fs (NM_003319.4); c.59264del, p.Asn19755fs (NM_133378.4); c.40148del, p.Asn13383fs (NM_133432.3); c.40349del, p.Asn13450fs (NM_133437.4); c.39773delA (NM_003319.4); short protein forms N13258fs, N13383fs, N13450fs, N19755fs, N20682fs, N22323fs.
Identifiers: ClinVar variation 1067751 (VCV001067751.11), dbSNP rs2154176360, ClinGen allele CA2499215390.
Genomic context (GRCh38, chr2:178,580,410, plus strand): 5'-CTTTTTACCACAGCTGTTCTCCAGGGTTAAGATATATTTTCCTGCATCATATTTGTTCAC[AT>A]TTTCACAGCGCAAGAAAGTGTCAAAGTCAGTTGACTTTATGTCCAGTCCAATCCTGTCTC-3'

ClinVar aggregate classification (germline): Pathogenic/Likely pathogenic. Review status: criteria provided, multiple submitters, no conflicts (2 of 4 stars). 3 submissions from 3 submitters: Pathogenic (2); Likely pathogenic (1). Last evaluated 2025-11-26.

Conditions:
Cardiovascular phenotype. Identifiers: MedGen CN230736.
TTN-related disorder. Also called: TTN-related disorders; TTN-related condition; TTN-related disease.
Dilated cardiomyopathy 1G (CMD1G). Identifiers: Orphanet 154, MedGen C1858763, MONDO:0011400, OMIM 604145.
Autosomal recessive limb-girdle muscular dystrophy type 2J (LGMDR10). Also called: Limb-girdle muscular dystrophy, type 2J; MUSCULAR DYSTROPHY, LIMB-GIRDLE, AUTOSOMAL RECESSIVE 10. Identifiers: Orphanet 140922, MedGen C1837342, MONDO:0012127, OMIM 608807.

Submissions (3):

Labcorp Genetics (formerly Invitae), Labcorp
Classification: Pathogenic for Dilated cardiomyopathy 1G; Autosomal recessive limb-girdle muscular dystrophy type 2J. Last evaluated: 2025-11-26. Review status: criteria provided, single submitter. Criteria: Invitae Variant Classification Sherloc (09022015). Collection method: clinical testing. Allele origin: germline.
Comment: This sequence change creates a premature translational stop signal (p.Asn22323Metfs*2) in the TTN gene. While this is not anticipated to result in nonsense mediated decay, it is expected to create a truncated TTN protein. This variant is not present in population databases (gnomAD no frequency). This premature translational stop signal has been observed in individuals with dilated cardiomyopathy (internal data). ClinVar contains an entry for this variant (Variation ID: 1067751). This variant is located in the A band of TTN (PMID: 25589632). Truncating variants in this region are significantly overrepresented in patients affected with dilated cardiomyopathy (PMID: 25589632). Truncating variants in this region have also been reported in individuals affected with autosomal recessive centronuclear myopathy (PMID: 23975875). For these reasons, this variant has been classified as Pathogenic.

Ambry Genetics
Classification: Likely pathogenic for Cardiovascular phenotype. Last evaluated: 2023-01-20. Review status: criteria provided, single submitter. Criteria: Ambry Variant Classification Scheme 2023. Collection method: clinical testing. Allele origin: germline.
Comment: The c.39773delA variant, located in coding exon 144 of the TTN gene, results from a deletion of one nucleotide at nucleotide position 39773, causing a translational frameshift with a predicted alternate stop codon (p.N13258Mfs*2). This exon is located in the A-band region of the N2-B isoform of the titin protein and is constitutively expressed in TTN transcripts (percent spliced in or PSI 100%). This variant is considered to be rare based on population cohorts in the Genome Aggregation Database (gnomAD). This alteration is expected to result in loss of function by premature protein truncation or nonsense-mediated mRNA decay. While truncating variants in TTN are present in 1-3% of the general population, truncating variants in the A-band are the most common cause of dilated cardiomyopathy (DCM) (Herman DS et al. N. Engl. J. Med., 2012 Feb;366:619-28; Roberts AM et al. Sci Transl Med, 2015 Jan;7:270ra6). TTN truncating variants encoded in constitutive exons (PSI >90%) have been found to be significantly associated with DCM regardless of their position in titin (Schafer S et al. Nat. Genet., 2017 01;49:46-53). Based on the majority of available evidence to date, this variant is likely to be pathogenic.

Daryl Scott Lab, Baylor College of Medicine
Classification: Pathogenic for TTN-related disorder. Last evaluated: 2022-02-01. Review status: criteria provided, single submitter. Criteria: ACMG Guidelines, 2015. Collection method: clinical testing. Allele origin: unknown. Affected: yes. Observed: 1 variant allele.

Literature cited by the submitters: PubMed 25589632 (cited by Labcorp Genetics (formerly Invitae), Labcorp); PubMed 23975875 (cited by Labcorp Genetics (formerly Invitae), Labcorp); PubMed 36474027 (cited by Daryl Scott Lab, Baylor College of Medicine).